The following is an entry in ClinVar:

NM_017882.3(CLN6):c.83+35C>G

Gene: CLN6 (CLN6 transmembrane ER protein; minus strand). Cytogenetic location: 15q23.
Variant type: single nucleotide variant.
Coding change: c.83+35C>G on transcript NM_017882.3 (MANE Select); 35 bases into the intron after coding-DNA position 83, C replaced by G.
Molecular consequence: intron variant.
Genome position (GRCh38, 1-based): chr15:68,229,467, G>C on the plus strand (C>G on the coding strand, the complement: CLN6 is on the minus strand). VCF-style: chr15-68229467-G-C. GRCh37 (hg19) VCF-style: chr15-68521805-G-C.
Identifiers: ClinVar variation 673217 (VCV000673217.2), dbSNP rs150630197, ClinGen allele CA7630725.

ClinVar aggregate classification (germline): Benign. Review status: criteria provided, multiple submitters, no conflicts (2 of 4 stars). 2 submissions from 2 submitters: Benign (2). Last evaluated 2018-06-14.

Allele frequency attached by ClinVar (database versions not stated): ExAC 0.00326; gnomAD exomes 0.00456 and 0.00507; gnomAD 0.05560 and 0.05957; 1000 Genomes Project 0.06090; TOPMed 0.06415; 1000 Genomes Project 30x 0.06605.
gnomAD v4.1: 15,373 of 1,437,360 alleles (1.1%); highest among the groups gnomAD compares: African/African-American, 19%; 1,316 homozygotes.

Submissions (2):

GeneDx
Classification: Benign. Last evaluated: 2018-06-14. Review status: criteria provided, single submitter. Criteria: GeneDx Variant Classification (06012015). Collection method: clinical testing. Allele origin: germline. Affected: yes.
Comment: This variant is considered likely benign or benign based on one or more of the following criteria: it is a conservative change, it occurs at a poorly conserved position in the protein, it is predicted to be benign by multiple in silico algorithms, and/or has population frequency not consistent with disease.

Breakthrough Genomics
Classification: Benign. Review status: criteria provided, single submitter. Criteria: ACMG Guidelines, 2015. Collection method: not provided. Allele origin: germline. Inheritance: Autosomal recessive inheritance. Affected: yes.